The following is an entry in ClinVar:

NM_005993.5(TBCD):c.1475+5G>T

Gene: TBCD (tubulin folding cofactor D). Cytogenetic location: 17q25.3.
Variant type: single nucleotide variant.
Coding change: c.1475+5G>T on transcript NM_005993.5 (MANE Select); 5 bases into the intron after coding-DNA position 1475, G replaced by T.
Molecular consequence: intron variant.
Genome position (GRCh38, 1-based): chr17:82,870,385, G>T. VCF-style: chr17-82870385-G-T. GRCh37 (hg19) VCF-style: chr17-80828261-G-T.
Other names: c.1475+5G>T (NM_001411102.1, NM_001437989.1); c.1424+5G>T (NM_001411101.1); c.1286+5G>T (NM_001438250.1).
Identifiers: ClinVar variation 4632739 (VCV004632739.1).

ClinVar aggregate classification (germline): Uncertain significance (1 of 4 stars; one submission).

Conditions:
Inborn genetic diseases. Identifiers: MedGen C0950123, MeSH D030342.

Submission:

Ambry Genetics
Classification: Uncertain significance for Inborn genetic diseases. Last evaluated: 2025-09-23. Review status: criteria provided, single submitter. Criteria: Ambry Variant Classification Scheme 2023. Collection method: clinical testing. Allele origin: germline.
Comment: The c.1475+5G>T intronic alteration consists of a G to T substitution nucleotides after coding exon 14 in the TBCD gene. Based on insufficient or conflicting evidence, the clinical significance of this alteration remains unclear.